The following is an entry in ClinVar:

NM_001267550.2(TTN):c.84820dup (p.Ser28274fs)

Genes: TTN (titin; minus strand), TTN-AS1 (TTN antisense RNA 1; plus strand). Cytogenetic location: 2q31.2.
Variant type: Duplication.
Coding change: c.84820dup on transcript NM_001267550.2 (MANE Select); coding-DNA position 84820, one base duplicated (T; older notation c.84820dupT).
Protein change: p.Ser28274fs; shifts the reading frame from serine 28274.
Molecular consequence: frameshift variant.
Genome position (GRCh38, 1-based): chr2:178,561,312, A duplicated on the plus strand (T on the coding strand, the reverse complement: TTN is on the minus strand). VCF-style (leftmost placement, unchanged base first): chr2-178561311-G-GA. GRCh37 (hg19) VCF-style: chr2-179426038-G-GA.
Other names: c.79897dup, p.Ser26633fs (NM_001256850.1); c.57625dup, p.Ser19209fs (NM_003319.4); c.77116dup, p.Ser25706fs (NM_133378.4); c.58000dup, p.Ser19334fs (NM_133432.3); c.58201dup, p.Ser19401fs (NM_133437.4); short protein forms S26633fs, S19209fs, S19401fs, S19334fs, S25706fs, S28274fs.
Identifiers: ClinVar variation 1504911 (VCV001504911.6), dbSNP rs2154159502, ClinGen allele CA2573134127.

ClinVar aggregate classification (germline): Likely pathogenic (1 of 4 stars; one submission).

Conditions:
Dilated cardiomyopathy 1G (CMD1G). Identifiers: Orphanet 154, MedGen C1858763, MONDO:0011400, OMIM 604145.
Autosomal recessive limb-girdle muscular dystrophy type 2J (LGMDR10). Also called: MUSCULAR DYSTROPHY, LIMB-GIRDLE, AUTOSOMAL RECESSIVE 10; Limb-girdle muscular dystrophy, type 2J. Identifiers: Orphanet 140922, MedGen C1837342, MONDO:0012127, OMIM 608807.

Submission:

Labcorp Genetics (formerly Invitae), Labcorp
Classification: Likely pathogenic for Dilated cardiomyopathy 1G; Autosomal recessive limb-girdle muscular dystrophy type 2J. Last evaluated: 2021-09-23. Review status: criteria provided, single submitter. Criteria: Invitae Variant Classification Sherloc (09022015). Collection method: clinical testing. Allele origin: germline.
Comment: In summary, the currently available evidence indicates that the variant is pathogenic, but additional data are needed to prove that conclusively. Therefore, this variant has been classified as Likely Pathogenic. This variant is located in the A band of TTN (PMID: 25589632). Truncating variants in this region are significantly overrepresented in patients affected with dilated cardiomyopathy (PMID: 25589632). Truncating variants in this region have also been reported in individuals affected with autosomal recessive centronuclear myopathy (PMID: 23975875). This variant has not been reported in the literature in individuals affected with TTN-related conditions. This variant is not present in population databases (ExAC no frequency). This sequence change creates a premature translational stop signal (p.Ser28274Phefs*2) in the TTN gene. While this is not anticipated to result in nonsense mediated decay, it is expected to create a truncated TTN protein.

Literature cited by the submitters: PubMed 25589632; PubMed 23975875.